The following is an entry in ClinVar:

ClinVar aggregate classification (germline): Likely pathogenic (1 of 4 stars; one submission).

Conditions:
Kleefstra syndrome 1 (KLEFS1). Identifiers: Orphanet 261494, MedGen C0795833, MONDO:0027407, OMIM 610253.

Submission:

Greenwood Genetic Center Diagnostic Laboratories, Greenwood Genetic Center
Classification: Likely pathogenic for Kleefstra syndrome 1. Last evaluated: 2022-05-24. Review status: criteria provided, single submitter. Criteria: ACMG Guidelines, 2015. Collection method: clinical testing. Allele origin: germline. Affected: yes.
Comment: PVS1_Strong, PS3_Moderate, PM2

NM_024757.5(EHMT1):c.3610del (p.Glu1204fs)

Gene: EHMT1 (euchromatic histone lysine methyltransferase 1; plus strand). Cytogenetic location: 9q34.3.
Variant type: Deletion.
Coding change: c.3610del on transcript NM_024757.5 (MANE Select); coding-DNA position 3610, one base deleted (G; older notation c.3610delG).
Protein change: p.Glu1204fs; shifts the reading frame from glutamic acid 1204.
Molecular consequence: frameshift variant.
Genome position (GRCh38, 1-based): chr9:137,834,418, G deleted. VCF-style (leftmost placement, unchanged base first): chr9-137834417-CG-C. GRCh37 (hg19) VCF-style: chr9-140728869-CG-C.
Other names: c.3589del, p.Glu1197fs (NM_001354263.2); short protein forms E1197fs, E1204fs.
Identifiers: ClinVar variation 1703065 (VCV001703065.3), dbSNP rs2538996505, ClinGen allele CA2580081003.